The following is an entry in ClinVar:

ClinVar aggregate classification (germline): Benign/Likely benign. Review status: criteria provided, multiple submitters, no conflicts (2 of 4 stars). 7 submissions from 7 submitters: Benign (1); Likely benign (2). 4 of the submissions do not count toward it. Last evaluated 2025-09-15.

Conditions:
GANAB-related disorder. Also called: GANAB-related condition.
Autosomal dominant polycystic liver disease. Also called: Congenital cystic disease of liver; Polycystic liver disease. Identifiers: Orphanet 2924, MedGen C0158683, MONDO:0000447, HP:0006557.
Polycystic kidney disease 3 with or without polycystic liver disease. Also called: POLYCYSTIC KIDNEY DISEASE, ADULT, TYPE III; Polycystic Kidney and/or Polycystic Liver Disease 3; Polycystic kidney disease 3. Identifiers: MedGen C3887964, MONDO:0010916, OMIM 600666.

Allele frequency attached by ClinVar (database versions not stated): gnomAD exomes 0.00035 and 0.00057; gnomAD 0.00039 and 0.00040; ExAC 0.00045; TOPMed 0.00050; 1000 Genomes Project 30x 0.00078; 1000 Genomes Project 0.00080.

Submissions (7):

Labcorp Genetics (formerly Invitae), Labcorp
Classification: Benign. Last evaluated: 2025-09-15. Review status: criteria provided, single submitter. Criteria: Invitae Variant Classification Sherloc (09022015). Collection method: clinical testing. Allele origin: germline.

Blueprint Genetics
Classification: Likely benign. Last evaluated: 2024-10-18. Review status: criteria provided, single submitter. Criteria: ACMG Guidelines, 2015. Collection method: clinical testing. Allele origin: germline.

Department of Pathology and Laboratory Medicine, Sinai Health System
Classification: Likely benign for Polycystic kidney disease 3 with or without polycystic liver disease. Last evaluated: 2023-02-05. Review status: criteria provided, single submitter. Criteria: ACMG Guidelines, 2015. Collection method: research. Allele origin: germline.

Laboratory of Gastroenterology and Hepatology, Radboud University Medical Center
Classification: Benign for Autosomal dominant polycystic liver disease. Last evaluated: 2021-09-01. Review status: no assertion criteria provided. Collection method: research. Allele origin: germline. Affected: yes. Not counted in ClinVar's aggregate classification.

PreventionGenetics, part of Exact Sciences
Classification: Likely benign for GANAB-related condition. Last evaluated: 2019-12-27. Review status: no assertion criteria provided. Collection method: clinical testing. Allele origin: germline. Not counted in ClinVar's aggregate classification.
Comment: This variant is classified as likely benign based on ACMG/AMP sequence variant interpretation guidelines (Richards et al. 2015 PMID: 25741868, with internal and published modifications).

Clinical Genetics DNA and cytogenetics Diagnostics Lab, Erasmus MC, Erasmus Medical Center
Classification: Likely benign. Review status: no assertion criteria provided. Collection method: clinical testing. Allele origin: germline. Affected: yes. Study: VKGL Data-share Consensus. Not counted in ClinVar's aggregate classification.

Genome Diagnostics Laboratory, University Medical Center Utrecht
Classification: Benign. Review status: no assertion criteria provided. Collection method: clinical testing. Allele origin: germline. Affected: yes. Study: VKGL Data-share Consensus. Not counted in ClinVar's aggregate classification.

NM_198334.3(GANAB):c.2173G>A (p.Val725Ile)

Gene: GANAB (glucosidase II alpha subunit; minus strand). Cytogenetic location: 11q12.3.
Variant type: single nucleotide variant.
Coding change: c.2173G>A on transcript NM_198334.3 (MANE Select); coding-DNA position 2173, G replaced by A.
Protein change: p.Val725Ile; replaces valine 725 with isoleucine.
Molecular consequence: missense variant.
Genome position (GRCh38, 1-based): chr11:62,628,776, C>T on the plus strand (G>A on the coding strand, the complement: GANAB is on the minus strand). VCF-style: chr11-62628776-C-T. GRCh37 (hg19) VCF-style: chr11-62396248-C-T.
Other names: c.2239G>A (NM_198335.3); c.1897G>A, p.Val633Ile (NM_001278192.2); c.1831G>A, p.Val611Ile (NM_001278193.2); c.1882G>A, p.Val628Ile (NM_001278194.2, NM_001329222.2, NM_001329223.2); c.1450G>A, p.Val484Ile (NM_001329224.2, NM_001329225.2); c.2239G>A, p.Val747Ile (NM_198335.4); short protein forms V484I, V611I, V628I, V633I, V725I, V747I.
Identifiers: ClinVar variation 1255595 (VCV001255595.22), dbSNP rs199956781, ClinGen allele CA6050569.